The following is an entry in ClinVar:

NM_020911.2(PLXNA4):c.1605-3C>T

Gene: PLXNA4 (plexin A4; minus strand). Cytogenetic location: 7q32.3.
Variant type: single nucleotide variant.
Coding change: c.1605-3C>T on transcript NM_020911.2 (MANE Select); 3 bases into the intron before coding-DNA position 1605, C replaced by T.
Molecular consequence: intron variant.
Genome position (GRCh38, 1-based): chr7:132,228,472, G>A on the plus strand (C>T on the coding strand, the complement: PLXNA4 is on the minus strand). VCF-style: chr7-132228472-G-A. GRCh37 (hg19) VCF-style: chr7-131913231-G-A.
Other names: c.1605-3C>T (NM_001393897.1).
Identifiers: ClinVar variation 4991066 (VCV004991066.1).

ClinVar aggregate classification (germline): Likely benign (1 of 4 stars; one submission).

Conditions:
PLXNA4-related disorder. Also called: PLXNA4-related condition.

Submission:

PreventionGenetics, part of Exact Sciences
Classification: Likely benign for PLXNA4-related condition. Last evaluated: 2025-09-30. Review status: criteria provided, single submitter. Criteria: ACMG Guidelines, 2015. Collection method: clinical testing. Allele origin: germline.
Comment: This variant is classified as likely benign based on ACMG/AMP sequence variant interpretation guidelines (Richards et al. 2015 PMID: 25741868, with internal and published modifications).